The following is an entry in ClinVar:

ClinVar aggregate classification (germline): Uncertain significance (1 of 4 stars; one submission).

Conditions:
Ehlers-Danlos syndrome, classic type, 1 (EDSCL1). Also called: EHLERS-DANLOS SYNDROME, GRAVIS TYPE; EHLERS-DANLOS SYNDROME, SEVERE CLASSIC TYPE; Ehlers-Danlos syndrome, type 1; Ehlers-Danlos Syndrome, Classic Type, COL5A1-Related; EDS I. Identifiers: MedGen C0268335, MONDO:0019567, OMIM 130000.

gnomAD v4.1: 2 of 1,613,302 alleles (0.00012%); highest among the groups gnomAD compares: Non-Finnish European, 0.00017%; no homozygotes.

Submission:

Labcorp Genetics (formerly Invitae), Labcorp
Classification: Uncertain significance for Ehlers-Danlos syndrome, classic type, 1. Last evaluated: 2025-11-23. Review status: criteria provided, single submitter. Criteria: Invitae Variant Classification Sherloc (09022015). Collection method: clinical testing. Allele origin: germline.
Comment: This sequence change replaces aspartic acid, which is acidic and polar, with asparagine, which is neutral and polar, at codon 1665 of the COL5A1 protein (p.Asp1665Asn). This variant is not present in population databases (gnomAD no frequency). This variant has not been reported in the literature in individuals affected with COL5A1-related conditions. Invitae Evidence Modeling of protein sequence and biophysical properties (such as structural, functional, and spatial information, amino acid conservation, physicochemical variation, residue mobility, and thermodynamic stability) indicates that this missense variant is expected to disrupt COL5A1 protein function with a positive predictive value of 95%. In summary, the available evidence is currently insufficient to determine the role of this variant in disease. Therefore, it has been classified as a Variant of Uncertain Significance.

NM_000093.5(COL5A1):c.4993G>A (p.Asp1665Asn)

Genes: COL5A1 (collagen type V alpha 1 chain; plus strand), LOC101448202 (uncharacterized LOC101448202; minus strand). Cytogenetic location: 9q34.3.
Variant type: single nucleotide variant.
Coding change: c.4993G>A on transcript NM_000093.5 (MANE Select); coding-DNA position 4993, G replaced by A.
Protein change: p.Asp1665Asn; replaces aspartic acid 1665 with asparagine.
Molecular consequence: missense variant.
Genome position (GRCh38, 1-based): chr9:134,825,830, G>A. VCF-style: chr9-134825830-G-A. GRCh37 (hg19) VCF-style: chr9-137717676-G-A.
Other names: c.4993G>A, p.Asp1665Asn (NM_001278074.1); short protein forms D1665N.
Identifiers: ClinVar variation 4746355 (VCV004746355.1).